The following is an entry in ClinVar:

ClinVar aggregate classification (germline): Uncertain significance. Review status: criteria provided, multiple submitters, no conflicts (2 of 4 stars). 2 submissions from 2 submitters: Uncertain significance (2). Last evaluated 2022-01-28.

Conditions:
Fanconi anemia complementation group P. Also called: SLX4-Related Fanconi Anemia. Identifiers: Orphanet 84, MedGen C3469542, MONDO:0013499, OMIM 613951.
Fanconi anemia (FA). Also called: Fanconi's anemia. Identifiers: Orphanet 84, MedGen C0015625, MeSH D005199, MONDO:0019391.

gnomAD v4.1: 17 of 1,614,176 alleles (0.0011%); highest among the groups gnomAD compares: Non-Finnish European, 0.0014%; no homozygotes.

Submissions (2):

Fulgent Genetics
Classification: Uncertain significance for Fanconi anemia complementation group P. Last evaluated: 2022-01-28. Review status: criteria provided, single submitter. Criteria: ACMG Guidelines, 2015. Collection method: clinical testing. Allele origin: unknown.

Labcorp Genetics (formerly Invitae), Labcorp
Classification: Uncertain significance for Fanconi anemia. Last evaluated: 2020-10-09. Review status: criteria provided, single submitter. Criteria: Invitae Variant Classification Sherloc (09022015). Collection method: clinical testing. Allele origin: germline.
Comment: In summary, the available evidence is currently insufficient to determine the role of this variant in disease. Therefore, it has been classified as a Variant of Uncertain Significance. Algorithms developed to predict the effect of missense changes on protein structure and function (SIFT, PolyPhen-2, Align-GVGD) all suggest that this variant is likely to be tolerated, but these predictions have not been confirmed by published functional studies and their clinical significance is uncertain. This variant has not been reported in the literature in individuals with SLX4-related conditions. This variant is not present in population databases (ExAC no frequency). This sequence change replaces histidine with tyrosine at codon 1654 of the SLX4 protein (p.His1654Tyr). The histidine residue is weakly conserved and there is a moderate physicochemical difference between histidine and tyrosine.

NM_032444.4(SLX4):c.4960C>T (p.His1654Tyr)

Gene: SLX4 (SLX4 structure-specific endonuclease subunit; minus strand). Cytogenetic location: 16p13.3.
Variant type: single nucleotide variant.
Coding change: c.4960C>T on transcript NM_032444.4 (MANE Select); coding-DNA position 4960, C replaced by T.
Protein change: p.His1654Tyr; replaces histidine 1654 with tyrosine.
Molecular consequence: missense variant.
Genome position (GRCh38, 1-based): chr16:3,583,290, G>A on the plus strand (C>T on the coding strand, the complement: SLX4 is on the minus strand). VCF-style: chr16-3583290-G-A. GRCh37 (hg19) VCF-style: chr16-3633291-G-A.
Other names: short protein forms H1654Y.
Identifiers: ClinVar variation 1054622 (VCV001054622.10), dbSNP rs2151116711, ClinGen allele CA394515031.